The following is an entry in ClinVar:

NM_015215.4(CAMTA1):c.1579G>A (p.Val527Ile)

Gene: CAMTA1 (calmodulin binding transcription activator 1; plus strand). Cytogenetic location: 1p36.23.
Variant type: single nucleotide variant.
Coding change: c.1579G>A on transcript NM_015215.4 (MANE Select); coding-DNA position 1579, G replaced by A.
Protein change: p.Val527Ile; replaces valine 527 with isoleucine.
Molecular consequence: missense variant.
Genome position (GRCh38, 1-based): chr1:7,664,126, G>A. VCF-style: chr1-7664126-G-A. GRCh37 (hg19) VCF-style: chr1-7724186-G-A.
Other names: c.1489G>A, p.Val497Ile (NM_001349608.2, NM_001349612.2); c.1579G>A, p.Val527Ile (NM_001349609.2, NM_001349610.2, NM_001410737.1); c.1507G>A, p.Val503Ile (NM_001410738.1); short protein forms V503I, V527I, V497I.
Identifiers: ClinVar variation 2191283 (VCV002191283.4), dbSNP rs778430604, ClinGen allele CA566468.

ClinVar aggregate classification (germline): Uncertain significance (1 of 4 stars; one submission).

Allele frequency attached by ClinVar (database versions not stated): gnomAD exomes 0.00001; ExAC 0.00003; gnomAD 0.00005; TOPMed 0.00005.
gnomAD v4.1: 24 of 1,613,196 alleles (0.0015%); highest among the groups gnomAD compares: African/African-American, 0.016%; no homozygotes.

Submission:

Labcorp Genetics (formerly Invitae), Labcorp
Classification: Uncertain significance. Last evaluated: 2024-12-02. Review status: criteria provided, single submitter. Criteria: Invitae Variant Classification Sherloc (09022015). Collection method: clinical testing. Allele origin: germline.
Comment: This sequence change replaces valine, which is neutral and non-polar, with isoleucine, which is neutral and non-polar, at codon 527 of the CAMTA1 protein (p.Val527Ile). This variant is present in population databases (rs778430604, gnomAD 0.04%). This variant has not been reported in the literature in individuals affected with CAMTA1-related conditions. ClinVar contains an entry for this variant (Variation ID: 2191283). Invitae Evidence Modeling of protein sequence and biophysical properties (such as structural, functional, and spatial information, amino acid conservation, physicochemical variation, residue mobility, and thermodynamic stability) indicates that this missense variant is not expected to disrupt CAMTA1 protein function with a negative predictive value of 80%. In summary, the available evidence is currently insufficient to determine the role of this variant in disease. Therefore, it has been classified as a Variant of Uncertain Significance.